The following is an entry in ClinVar:

NM_000548.5(TSC2):c.599+10G>T

Gene: TSC2 (TSC complex subunit 2; plus strand). Cytogenetic location: 16p13.3.
Variant type: single nucleotide variant.
Coding change: c.599+10G>T on transcript NM_000548.5 (MANE Select); 10 bases into the intron after coding-DNA position 599, G replaced by T.
Molecular consequence: intron variant.
Genome position (GRCh38, 1-based): chr16:2,055,529, G>T. VCF-style: chr16-2055529-G-T. GRCh37 (hg19) VCF-style: chr16-2105530-G-T.
Other names: c.599+10G>T (NM_001114382.3, NM_021055.3, NM_001370405.1 and 3 more transcripts); c.488+10G>T (NM_001318827.2); c.-1-667G>T (NM_001318831.2); c.452+10G>T (NM_001318829.2); c.632+10G>T (NM_001318832.2).
Identifiers: ClinVar variation 792774 (VCV000792774.10), dbSNP rs1037449903, ClinGen allele CA620373078.

ClinVar aggregate classification (germline): Likely benign. Review status: criteria provided, multiple submitters, no conflicts (2 of 4 stars). 2 submissions from 2 submitters: Likely benign (2). Last evaluated 2025-05-08.

Conditions:
Tuberous sclerosis 2 (TSC2). Identifiers: Orphanet 805, MedGen C1860707, MONDO:0013199, OMIM 613254.

Allele frequency attached by ClinVar (database versions not stated): gnomAD exomes below 0.00001.
gnomAD v4.1: 6 of 1,608,960 alleles (0.00037%); highest among the groups gnomAD compares: Admixed American, 0.0017%; no homozygotes.

Submissions (2):

Myriad Genetics, Inc.
Classification: Likely benign for Tuberous sclerosis 2. Last evaluated: 2025-05-08. Review status: criteria provided, single submitter. Criteria: Myriad Autosomal Dominant, Autosomal Recessive and X-Linked Classification Criteria (2023). Collection method: clinical testing. Allele origin: unknown.
Comment: This variant is considered likely benign. This variant is intronic and is not expected to impact mRNA splicing.

Labcorp Genetics (formerly Invitae), Labcorp
Classification: Likely benign for Tuberous sclerosis 2. Last evaluated: 2024-12-24. Review status: criteria provided, single submitter. Criteria: Invitae Variant Classification Sherloc (09022015). Collection method: clinical testing. Allele origin: germline.